The following is an entry in ClinVar:

ClinVar aggregate classification (germline): Conflicting classifications of pathogenicity. Review status: criteria provided, conflicting classifications (1 of 4 stars). 3 submissions from 3 submitters: Uncertain significance (2); Likely benign (1). Last evaluated 2026-01-17.

Conditions:
Hereditary cancer-predisposing syndrome. Also called: Neoplastic Syndromes, Hereditary; Tumor predisposition; Hereditary Cancer Syndrome; Hereditary neoplastic syndrome. Identifiers: Orphanet 140162, MedGen C0027672, MeSH D009386, MONDO:0015356.
Familial adenomatous polyposis 1 (FAP1). Also called: FAMILIAL ADENOMATOUS POLYPOSIS 1, ATTENUATED; POLYPOSIS, ADENOMATOUS INTESTINAL. Identifiers: MedGen C2713442, MONDO:0021056, OMIM 175100. Disease mechanism: loss of function.

gnomAD v4.1: 5 of 1,613,682 alleles (0.00031%); highest among the groups gnomAD compares: African/African-American, 0.0013%; no homozygotes.

Submissions (3):

Labcorp Genetics (formerly Invitae), Labcorp
Classification: Uncertain significance for Familial adenomatous polyposis 1. Last evaluated: 2026-01-17. Review status: criteria provided, single submitter. Criteria: Invitae Variant Classification Sherloc (09022015). Collection method: clinical testing. Allele origin: germline.
Comment: This sequence change replaces isoleucine, which is neutral and non-polar, with valine, which is neutral and non-polar, at codon 1926 of the APC protein (p.Ile1926Val). This variant is not present in population databases (gnomAD no frequency). This variant has not been reported in the literature in individuals affected with APC-related conditions. ClinVar contains an entry for this variant (Variation ID: 918582). Invitae Evidence Modeling of protein sequence and biophysical properties (such as structural, functional, and spatial information, amino acid conservation, physicochemical variation, residue mobility, and thermodynamic stability) indicates that this missense variant is not expected to disrupt APC protein function with a negative predictive value of 95%. In summary, the available evidence is currently insufficient to determine the role of this variant in disease. Therefore, it has been classified as a Variant of Uncertain Significance.

Color Diagnostics, LLC DBA Color Health
Classification: Uncertain significance for Hereditary cancer-predisposing syndrome. Last evaluated: 2024-03-07. Review status: criteria provided, single submitter. Criteria: ACMG Guidelines, 2015. Collection method: clinical testing. Allele origin: germline.
Comment: This missense variant replaces isoleucine with valine at codon 1926 of the APC protein. Computational prediction suggests that this variant may not impact protein structure and function (internally defined REVEL score threshold <= 0.5, PMID: 27666373). Splice site prediction tools suggest that this variant may not impact RNA splicing. To our knowledge, functional studies have not been performed for this variant. This variant has not been reported in individuals affected with hereditary cancer in the literature. This variant has not been identified in the general population by the Genome Aggregation Database (gnomAD). The available evidence is insufficient to determine the role of this variant in disease conclusively. Therefore, this variant is classified as a Variant of Uncertain Significance.

Ambry Genetics
Classification: Likely benign for Hereditary cancer-predisposing syndrome. Last evaluated: 2024-02-14. Review status: criteria provided, single submitter. Criteria: Ambry Variant Classification Scheme 2023. Collection method: clinical testing. Allele origin: germline.

NM_000038.6(APC):c.5776A>G (p.Ile1926Val)

Gene: APC (APC regulator of Wnt signaling pathway; plus strand). Cytogenetic location: 5q22.2.
Variant type: single nucleotide variant.
Coding change: c.5776A>G on transcript NM_000038.6 (MANE Select); coding-DNA position 5776, A replaced by G.
Protein change: p.Ile1926Val; replaces isoleucine 1926 with valine.
Molecular consequence: missense variant.
Genome position (GRCh38, 1-based): chr5:112,841,370, A>G. VCF-style: chr5-112841370-A-G. GRCh37 (hg19) VCF-style: chr5-112177067-A-G.
Other names: c.5776A>G, p.Ile1926Val (NM_001127510.3, NM_001354895.2); c.5722A>G, p.Ile1908Val (NM_001127511.3); c.5830A>G, p.Ile1944Val (NM_001354896.2); c.5806A>G, p.Ile1936Val (NM_001354897.2); c.5701A>G, p.Ile1901Val (NM_001354898.2); c.5692A>G, p.Ile1898Val (NM_001354899.2); c.5653A>G, p.Ile1885Val (NM_001354900.2); c.5599A>G, p.Ile1867Val (NM_001354901.2); and 5 more; short protein forms I1800V, I1885V, I1908V, I1926V, I1766V, I1835V, I1867V, I1936V.
Identifiers: ClinVar variation 918582 (VCV000918582.15), dbSNP rs1766040137, ClinGen allele CA16033969.